The following is an entry in ClinVar:

ClinVar aggregate classification (germline): Uncertain significance (1 of 4 stars; one submission).

Conditions:
Long QT syndrome (LQTS). Identifiers: MedGen C0023976, MeSH D008133, MONDO:0002442. Disease mechanism: loss of function. Inheritance: Various modes of inheritance.

gnomAD v4.1: 3 of 1,614,098 alleles (0.00019%); highest among the groups gnomAD compares: Admixed American, 0.005%; no homozygotes.

Submission:

Labcorp Genetics (formerly Invitae), Labcorp
Classification: Uncertain significance for Long QT syndrome. Last evaluated: 2024-07-30. Review status: criteria provided, single submitter. Criteria: Invitae Variant Classification Sherloc (09022015). Collection method: clinical testing. Allele origin: germline.
Comment: This sequence change replaces glutamic acid, which is acidic and polar, with valine, which is neutral and non-polar, at codon 1934 of the ANK2 protein (p.Glu1934Val). This variant is present in population databases (rs747756646, gnomAD 0.009%). This missense change has been observed in individual(s) with long QT syndrome (PMID: 27135274). An algorithm developed to predict the effect of missense changes on protein structure and function (PolyPhen-2) suggests that this variant is likely to be disruptive. In summary, the available evidence is currently insufficient to determine the role of this variant in disease. Therefore, it has been classified as a Variant of Uncertain Significance.

Literature cited by the submitters: PubMed 27135274.

NM_001148.6(ANK2):c.5801A>T (p.Glu1934Val)

Genes: ANK2 (ankyrin 2; plus strand), LOC126807136 (MED14-independent group 3 enhancer GRCh37_chr4:114274931-114276130; plus strand). Cytogenetic location: 4q26.
Variant type: single nucleotide variant.
Coding change: c.5801A>T on transcript NM_001148.6 (MANE Select); coding-DNA position 5801, A replaced by T.
Protein change: p.Glu1934Val; replaces glutamic acid 1934 with valine.
Molecular consequence: missense variant. On other transcripts: intron variant (68).
Genome position (GRCh38, 1-based): chr4:113,354,419, A>T. VCF-style: chr4-113354419-A-T. GRCh37 (hg19) VCF-style: chr4-114275575-A-T.
Other names: c.5567A>T, p.Glu1856Val (NM_001386142.1); c.2201A>T, p.Glu734Val (NM_001386166.1); c.5942A>T, p.Glu1981Val (NM_001386174.1); c.5918A>T, p.Glu1973Val (NM_001386175.1); c.4411+4170A>T (NM_001386186.2, NM_001386148.2); c.4213+4170A>T (NM_001354269.3); c.4291+4170A>T (NM_001386187.2); c.4252+4170A>T (NM_001386147.1); and 35 more; short protein forms E1973V, E1856V, E734V, E1934V, E1981V.
Identifiers: ClinVar variation 3644224 (VCV003644224.2).